The following is an entry in ClinVar:

ClinVar aggregate classification (germline): Benign. Review status: criteria provided, multiple submitters, no conflicts (2 of 4 stars). 11 submissions from 11 submitters: Benign (8). 3 of the submissions do not count toward it. Last evaluated 2026-02-03.

Conditions:
Collagen 6-related myopathy. Identifiers: MedGen CN117976, MONDO:0100225.
Bethlem myopathy 1A. Also called: Bethlem Muscular Dystrophy; MYOPATHY, BENIGN CONGENITAL, WITH CONTRACTURES; Bethlem myopathy 1. Identifiers: Orphanet 610, MedGen CN029274, MONDO:0024530, OMIM 158810.

Allele frequency attached by ClinVar (database versions not stated): 1000 Genomes Project 0.07348; 1000 Genomes Project 30x 0.07542; gnomAD 0.11767 and 0.11879; TOPMed 0.11810; gnomAD exomes 0.12062 and 0.16754; ExAC 0.12109; ESP Exome Variant Server 0.14321.
gnomAD v4.1: 261,631 of 1,611,276 alleles (16%); highest among the groups gnomAD compares: Non-Finnish European, 19%; 24,190 homozygotes.

Submissions (11):

Labcorp Genetics (formerly Invitae), Labcorp
Classification: Benign for Bethlem myopathy 1A. Last evaluated: 2026-02-03. Review status: criteria provided, single submitter. Criteria: Invitae Variant Classification Sherloc (09022015). Collection method: clinical testing. Allele origin: germline.

Blueprint Genetics
Classification: Benign. Last evaluated: 2024-11-28. Review status: criteria provided, single submitter. Criteria: ACMG Guidelines, 2015. Collection method: clinical testing. Allele origin: germline.

Illumina Laboratory Services, Illumina
Classification: Benign for Collagen VI-related myopathy. Last evaluated: 2018-01-13. Review status: criteria provided, single submitter. Criteria: ICSL Variant Classification Criteria 13 December 2019. Collection method: clinical testing. Allele origin: germline.
Comment: This variant was observed in the ICSL laboratory as part of a predisposition screen in an ostensibly healthy population. It had not been previously curated by ICSL or reported in the Human Gene Mutation Database (HGMD: prior to June 1st, 2018), and was therefore a candidate for classification through an automated scoring system. Utilizing variant allele frequency, disease prevalence and penetrance estimates, and inheritance mode, an automated score was calculated to assess if this variant is too frequent to cause the disease. Based on the score and internal cut-off values, a variant classified as benign is not then subjected to further curation. The score for this variant resulted in a classification of benign for this disease.

Mayo Clinic Laboratories, Mayo Clinic
Classification: Benign. Last evaluated: 2017-12-01. Review status: criteria provided, single submitter. Criteria: ACMG Guidelines, 2015. Collection method: clinical testing. Allele origin: germline. Observed: 232 variant alleles.

GeneDx
Classification: Benign. Last evaluated: 2016-02-12. Review status: criteria provided, single submitter. Criteria: GeneDx Variant Classification (06012015). Collection method: clinical testing. Allele origin: germline. Affected: yes.
Comment: This variant is considered likely benign or benign based on one or more of the following criteria: it is a conservative change, it occurs at a poorly conserved position in the protein, it is predicted to be benign by multiple in silico algorithms, and/or has population frequency not consistent with disease.

Eurofins Ntd Llc (ga)
Classification: Benign. Last evaluated: 2012-09-19. Review status: criteria provided, single submitter. Criteria: EGL Classification Definitions 2015. Collection method: clinical testing. Allele origin: germline. Observed: 15 variant alleles, 12 heterozygotes, 3 homozygotes.

Breakthrough Genomics
Classification: Benign. Review status: criteria provided, single submitter. Criteria: ACMG Guidelines, 2015. Collection method: not provided. Allele origin: germline. Inheritance: Autosomal recessive inheritance. Affected: yes.

PreventionGenetics, part of Exact Sciences
Classification: Benign. Review status: criteria provided, single submitter. Criteria: ACMG Guidelines, 2015. Collection method: clinical testing. Allele origin: germline.

Clinical Genetics, Academic Medical Center
Classification: Benign. Review status: no assertion criteria provided. Collection method: clinical testing. Allele origin: germline. Affected: yes. Study: VKGL Data-share Consensus. Not counted in ClinVar's aggregate classification.

Genetic Services Laboratory, University of Chicago
Classification: Likely benign for AllHighlyPenetrant. Review status: no assertion criteria provided. Collection method: clinical testing. Allele origin: germline. Not counted in ClinVar's aggregate classification.
Comment: Likely benign based on allele frequency in 1000 Genomes Project or ESP global frequency and its presence in a patient with a rare or unrelated disease phenotype. NOT Sanger confirmed.

Joint Genome Diagnostic Labs from Nijmegen and Maastricht, Radboudumc and MUMC+
Classification: Benign. Review status: no assertion criteria provided. Collection method: clinical testing. Allele origin: germline. Affected: yes. Study: VKGL Data-share Consensus. Not counted in ClinVar's aggregate classification.

NM_001849.4(COL6A2):c.1609-10C>T

Gene: COL6A2 (collagen type VI alpha 2 chain; plus strand). Cytogenetic location: 21q22.3.
Variant type: single nucleotide variant.
Coding change: c.1609-10C>T on transcript NM_001849.4 (MANE Select); 10 bases into the intron before coding-DNA position 1609, C replaced by T.
Molecular consequence: intron variant.
Genome position (GRCh38, 1-based): chr21:46,122,865, C>T. VCF-style: chr21-46122865-C-T. GRCh37 (hg19) VCF-style: chr21-47542779-C-T.
Other names: p.?; c.1609-10C>T (NM_058175.3, NM_058174.3).
Identifiers: ClinVar variation 93913 (VCV000093913.30), dbSNP rs17357592, ClinGen allele CA147437.
Genomic context (GRCh38, chr21:46,122,865, plus strand): 5'-AAAAATCTCACTGGTGTCCCTGGTAGAGACAGCTCCTCTGTCCCAGGCTAACATGTGTTC[C>T]CTGTCACAGGGAGGCCGAGGCGACTTTGGCTTGAAAGGAGAACCTGGGAGGAAAGGAGAG-3'